The following is an entry in ClinVar:

ClinVar aggregate classification (germline): Benign. Review status: criteria provided, multiple submitters, no conflicts (2 of 4 stars). 2 submissions from 2 submitters: Benign (2). Last evaluated 2026-05-23.

Conditions:
STEAP3-related disorder. Also called: STEAP3-related condition.

gnomAD v4.1: 5,748 of 1,612,622 alleles (0.36%); highest among the groups gnomAD compares: South Asian, 6%; 208 homozygotes.

Submissions (2):

PreventionGenetics, part of Exact Sciences
Classification: Benign for STEAP3-related condition. Last evaluated: 2026-05-23. Review status: criteria provided, single submitter. Criteria: ACMG Guidelines, 2015. Collection method: clinical testing. Allele origin: germline.
Comment: This variant is classified as benign based on ACMG/AMP sequence variant interpretation guidelines (Richards et al. 2015 PMID: 25741868, with internal and published modifications).

Labcorp Genetics (formerly Invitae), Labcorp
Classification: Benign. Last evaluated: 2026-01-14. Review status: criteria provided, single submitter. Criteria: Invitae Variant Classification Sherloc (09022015). Collection method: clinical testing. Allele origin: germline.

NM_182915.3(STEAP3):c.1484C>T (p.Thr495Met)

Gene: STEAP3 (STEAP3 metalloreductase; plus strand). Cytogenetic location: 2q14.2.
Variant type: single nucleotide variant.
Coding change: c.1484C>T on transcript NM_182915.3 (MANE Select); coding-DNA position 1484, C replaced by T.
Protein change: p.Thr495Met; replaces threonine 495 with methionine.
Molecular consequence: missense variant. On other transcripts: 3 prime UTR variant (1).
Genome position (GRCh38, 1-based): chr2:119,263,325, C>T. VCF-style: chr2-119263325-C-T. GRCh37 (hg19) VCF-style: chr2-120020901-C-T.
Other names: c.1454C>T, p.Thr485Met (NM_001008410.2, NM_018234.3); c.*312C>T (NM_138637.3); c.1454C>T (NM_001008410.1); short protein forms T495M, T485M.
Identifiers: ClinVar variation 3673136 (VCV003673136.3).